The following is an entry in ClinVar:

NM_005050.4(ABCD4):c.1779_1780del (p.Cys593fs)

Gene: ABCD4 (ATP binding cassette subfamily D member 4; minus strand). Cytogenetic location: 14q24.3.
Variant type: Microsatellite.
Coding change: c.1779_1780del on transcript NM_005050.4 (MANE Select); coding-DNA positions 1779 to 1780, 2 bases deleted (TG; older notation c.1779_1780delTG).
Protein change: p.Cys593fs; shifts the reading frame from cysteine 593.
Molecular consequence: frameshift variant. On other transcripts: 3 prime UTR variant (11), non-coding transcript variant (10).
Genome position (GRCh38, 1-based): chr14:74,286,502-74,286,503, CA deleted on the plus strand (TG on the coding strand, the reverse complement: ABCD4 is on the minus strand); deleting any 2 consecutive bases within chr14:74,286,502-74,286,505 gives the same sequence; the c. name uses the placement nearest the transcript's 3' end. VCF-style (leftmost placement, unchanged base first): chr14-74286501-CCA-C. GRCh37 (hg19) VCF-style: chr14-74753204-CCA-C.
Other names: c.1653_1654del, p.Cys551fs (NM_001353591.2); c.*169TG[1] (NM_001353592.2, NM_001353594.2, NM_001353599.2 and 7 more transcripts); c.1518_1519del, p.Cys506fs (NM_001353593.2); c.1365_1366del, p.Cys455fs (NM_001353595.2, NM_001353596.2); c.1314_1315del, p.Cys438fs (NM_001353597.2); c.1302_1303del, p.Cys434fs (NM_001353598.2, NM_020324.3); c.990_991del, p.Cys330fs (NM_001353602.2, NM_001353603.2, NM_001353604.2 and 1 more transcripts); c.*285TG[1] (NM_001353610.2); short protein forms C455fs, C506fs, C593fs, C434fs, C438fs, C551fs, C330fs.
Identifiers: ClinVar variation 592037 (VCV000592037.2), dbSNP rs1566906720, ClinGen allele CA487156640.
Genomic context (GRCh38, chr14:74,286,501, plus strand): 5'-TCCTTCCAAAAGCCAGAGCTTCATTCCACTTTGATTCTCATCAGCTCCCATCTTCCTCCT[CCA>C]CAGAGTTTCAGAACCAAGGAATGAAACTACAAGAGACCACCACCACATGGAGATCAGGCT-3'

ClinVar aggregate classification (germline): Uncertain significance. Review status: criteria provided, single submitter (1 of 4 stars). 2 submissions from 2 submitters: Uncertain significance (1). 1 of the submissions does not count toward it. Last evaluated 2022-03-09.

Submissions (2):

Women's Health and Genetics/Laboratory Corporation of America, LabCorp
Classification: Uncertain significance. Last evaluated: 2022-03-09. Review status: criteria provided, single submitter. Criteria: LabCorp Variant Classification Summary - May 2015. Collection method: clinical testing. Allele origin: germline.
Comment: Variant summary: ABCD4 c.1779_1780delTG (p.Cys593TrpfsX38) causes a frameshift which results in an extension of the protein. No other protein extending variants have been reported in HGMD. The variant was absent in 251420 control chromosomes. The available data on variant occurrences in the general population are insufficient to allow any conclusion about variant significance. To our knowledge, no occurrence of c.1779_1780delTG in individuals affected with Methylmalonic Acidemia With Homocystinuria and no experimental evidence demonstrating its impact on protein function have been reported. One clinical diagnostic laboratory has submitted clinical-significance assessments for this variant to ClinVar after 2014 and classified the variant as uncertain significance. Based on the evidence outlined above, the variant was classified as uncertain significance.

Gharavi Laboratory, Columbia University
Classification: Uncertain significance. Last evaluated: 2018-09-16. Review status: no assertion criteria provided. Criteria: ACMG Guidelines, 2015. Collection method: research. Allele origin: germline. Affected: yes. Not counted in ClinVar's aggregate classification.